The following is an entry in ClinVar:

NM_004408.4(DNM1):c.55G>T (p.Ala19Ser)

Genes: CIZ1 (CDKN1A interacting zinc finger protein 1; minus strand), DNM1 (dynamin 1; plus strand). Cytogenetic location: 9q34.11.
Variant type: single nucleotide variant.
Coding change: c.55G>T on transcript NM_004408.4 (MANE Select); coding-DNA position 55, G replaced by T.
Protein change: p.Ala19Ser; replaces alanine 19 with serine.
Molecular consequence: missense variant. On other transcripts: intron variant (2).
Genome position (GRCh38, 1-based): chr9:128,203,525, G>T. VCF-style: chr9-128203525-G-T. GRCh37 (hg19) VCF-style: chr9-130965804-G-T.
Other names: c.55G>T, p.Ala19Ser (NM_001005336.3, NM_001288737.2, NM_001288738.2 and 2 more transcripts); c.-6+661C>A (NM_001131015.2, NM_012127.3); short protein forms A19S.
Identifiers: ClinVar variation 429467 (VCV000429467.4), dbSNP rs1131691398, ClinGen allele CA375006374.

ClinVar aggregate classification (germline): Uncertain significance (1 of 4 stars; one submission).

Allele frequency attached by ClinVar (database versions not stated): gnomAD exomes below 0.00001.
gnomAD v4.1: 1 of 1,541,952 alleles (0.000065%); highest among the groups gnomAD compares: South Asian, 0.0012%; no homozygotes.

Submission:

GeneDx
Classification: Uncertain significance. Last evaluated: 2017-03-23. Review status: criteria provided, single submitter. Criteria: GeneDx Variant Classification (06012015). Collection method: clinical testing. Allele origin: germline. Affected: yes.
Comment: The A19S variant in the DNM1 gene has not been reported previously as a pathogenic variant, nor asa benign variant, to our knowledge. The A19S variant is not observed in large population cohorts (Leket al., 2016; 1000 Genomes Consortium et al., 2015; Exome Variant Server). The A19S variant is anon-conservative amino acid substitution, which is likely to impact secondary protein structure asthese residues differ in polarity, charge, size and/or other properties. This substitution occurs at aposition that is conserved across species and in silico analysis predicts this variant is probablydamaging to the protein structure/function. We interpret A19S as a variant of uncertain significance.